The following is an entry in ClinVar:

ClinVar aggregate classification (germline): Pathogenic (1 of 4 stars; one submission).

Conditions:
Ataxia-telangiectasia syndrome (AT). Also called: Ataxia-telangiectasia, complementation group D; AT, COMPLEMENTATION GROUP C; ATAXIA-TELANGIECTASIA, COMPLEMENTATION GROUP A; ATAXIA-TELANGIECTASIA, FRESNO VARIANT; Ataxia-telangiectasia, complementation group E; LOUIS-BAR SYNDROME. Identifiers: Orphanet 100, MedGen C0004135, MONDO:0008840, OMIM 208900.

Submission:

Labcorp Genetics (formerly Invitae), Labcorp
Classification: Pathogenic for Ataxia-telangiectasia syndrome. Last evaluated: 2022-07-05. Review status: criteria provided, single submitter. Criteria: Invitae Variant Classification Sherloc (09022015). Collection method: clinical testing. Allele origin: germline.
Comment: This sequence change creates a premature translational stop signal (p.Lys2589Asnfs*17) in the ATM gene. It is expected to result in an absent or disrupted protein product. Loss-of-function variants in ATM are known to be pathogenic (PMID: 23807571, 25614872). This variant is not present in population databases (gnomAD no frequency). This premature translational stop signal has been observed in individual(s) with prostate cancer (PMID: 27433846). For these reasons, this variant has been classified as Pathogenic.

Literature cited by the submitters: PubMed 23807571; PubMed 25614872; PubMed 27433846.

NM_000051.4(ATM):c.7764del (p.Lys2589fs)

Genes: ATM (ATM serine/threonine kinase; plus strand), C11orf65 (chromosome 11 open reading frame 65; minus strand). Cytogenetic location: 11q22.3.
Variant type: Deletion.
Coding change: c.7764del on transcript NM_000051.4 (MANE Select); coding-DNA position 7764, one base deleted (T; older notation c.7764delT).
Protein change: p.Lys2589fs; shifts the reading frame from lysine 2589.
Molecular consequence: frameshift variant. On other transcripts: intron variant (2).
Genome position (GRCh38, 1-based): chr11:108,332,013, T deleted. VCF-style (leftmost placement, unchanged base first): chr11-108332012-CT-C. GRCh37 (hg19) VCF-style: chr11-108202739-CT-C.
Other names: c.7764del, p.Lys2589fs (NM_001351834.2); c.641-22942del (NM_001330368.2); c.*38+3207del (NM_001351110.2); short protein forms K2589fs.
Identifiers: ClinVar variation 2013878 (VCV002013878.4), dbSNP rs2547286122, ClinGen allele CA2580083542.